The following is an entry in ClinVar:

NM_004204.5(PIGQ):c.23C>A (p.Pro8His)

Gene: PIGQ (phosphatidylinositol glycan anchor biosynthesis class Q; plus strand). Cytogenetic location: 16p13.3.
Variant type: single nucleotide variant.
Coding change: c.23C>A on transcript NM_004204.5 (MANE Select); coding-DNA position 23, C replaced by A.
Protein change: p.Pro8His; replaces proline 8 with histidine.
Molecular consequence: missense variant.
Genome position (GRCh38, 1-based): chr16:574,097, C>A. VCF-style: chr16-574097-C-A. GRCh37 (hg19) VCF-style: chr16-624097-C-A.
Other names: c.23C>A, p.Pro8His (NM_148920.4); short protein forms P8H.
Identifiers: ClinVar variation 1055203 (VCV001055203.9), dbSNP rs763664510, ClinGen allele CA394044782.
Genomic context (GRCh38, chr16:574,097, plus strand): 5'-TGAGCCGAGCCTCTCCTCTTCTCTTCCAGCCTCCCGGCATGGTGCTCAAGGCCTTCTTCC[C>A]CACGTGCTGCGTCTCGACGGACAGCGGGCTGCTGGTGGGACGGTGGGTGCCGGAGCAGAG-3'
Protein context (NP_004195.2, residues 1-18): MVLKAFF[Pro8His]TCCVSTDSGL

ClinVar aggregate classification (germline): Uncertain significance (1 of 4 stars; one submission).

Conditions:
Epilepsy. Also called: Seizure disorder. Identifiers: MedGen C0014544, MeSH D004827, MONDO:0005027.

Submission:

Labcorp Genetics (formerly Invitae), Labcorp
Classification: Uncertain significance for Epilepsy. Last evaluated: 2023-08-30. Review status: criteria provided, single submitter. Criteria: Invitae Variant Classification Sherloc (09022015). Collection method: clinical testing. Allele origin: germline.
Comment: This sequence change replaces proline, which is neutral and non-polar, with histidine, which is basic and polar, at codon 8 of the PIGQ protein (p.Pro8His). This variant is not present in population databases (gnomAD no frequency). This variant has not been reported in the literature in individuals affected with PIGQ-related conditions. ClinVar contains an entry for this variant (Variation ID: 1055203). An algorithm developed to predict the effect of missense changes on protein structure and function (PolyPhen-2) suggests that this variant is likely to be disruptive. In summary, the available evidence is currently insufficient to determine the role of this variant in disease. Therefore, it has been classified as a Variant of Uncertain Significance.